The following is an entry in ClinVar:

NM_024678.6(NARS2):c.947dup (p.Asn316fs)

Gene: NARS2 (asparaginyl-tRNA synthetase 2, mitochondrial; minus strand). Cytogenetic location: 11q14.1.
Variant type: Duplication.
Coding change: c.947dup on transcript NM_024678.6 (MANE Select); coding-DNA position 947, one base duplicated (A; older notation c.947dupA).
Protein change: p.Asn316fs; shifts the reading frame from asparagine 316.
Molecular consequence: frameshift variant. On other transcripts: non-coding transcript variant (4), intron variant (1).
Genome position (GRCh38, 1-based): chr11:78,478,450, T duplicated on the plus strand (A on the coding strand, the reverse complement: NARS2 is on the minus strand); the first of 6 consecutive T bases (chr11:78,478,450-78,478,455); duplicating any one gives the same sequence. VCF-style (leftmost placement, unchanged base first): chr11-78478449-G-GT. GRCh37 (hg19) VCF-style: chr11-78189495-G-GT.
Other names: c.947dupA (NM_024678.6); c.266dup, p.Asn89fs (NM_001243251.2, NM_001425310.1, NM_001425312.1 and 2 more transcripts); c.947dup, p.Asn316fs (NM_001425299.1, NM_001425300.1, NM_001425304.1 and 1 more transcripts); c.942dup, p.Gln315fs (NM_001425301.1, NM_001425306.1); c.866dup, p.Asn289fs (NM_001425302.1, NM_001425303.1); c.719dup, p.Asn240fs (NM_001425307.1); c.716dup, p.Asn239fs (NM_001425308.1); c.296dup, p.Asn99fs (NM_001425311.1); and 1 more; short protein forms N316fs, N99fs, N239fs, N240fs, N89fs, Q315fs, N289fs.
Identifiers: ClinVar variation 4526064 (VCV004526064.1).

ClinVar aggregate classification (germline): Pathogenic (1 of 4 stars; one submission).

Conditions:
Combined oxidative phosphorylation defect type 24. Also called: Combined oxidative phosphorylation deficiency 24. Identifiers: Orphanet 444458, MedGen C4015643, MONDO:0014547, OMIM 616239.

Submission:

Women's Health and Genetics/Laboratory Corporation of America, LabCorp
Classification: Pathogenic for Combined oxidative phosphorylation defect type 24. Last evaluated: 2025-07-29. Review status: criteria provided, single submitter. Criteria: LabCorp Variant Classification Summary - May 2015. Collection method: clinical testing. Allele origin: germline.
Comment: Variant summary: NARS2 c.947dupA (p.Asn316LysfsX10) results in a premature termination codon, predicted to cause a truncation of the encoded protein or absence of the protein due to nonsense mediated decay, which are commonly known mechanisms for disease. The frequency data for this variant in gnomAD is considered unreliable, as metrics indicate poor data quality at this position. To our knowledge, no occurrence of c.947dupA in individuals affected with Combined Oxidative Phosphorylation Deficiency 24 and no experimental evidence demonstrating its impact on protein function have been reported. No submitters have cited clinical-significance assessments for this variant to ClinVar. Based on the evidence outlined above, the variant was classified as pathogenic.